The following is an entry in ClinVar:

NM_006269.2(RP1):c.3396G>A (p.Trp1132Ter)

Gene: RP1 (RP1 axonemal microtubule associated; plus strand). Cytogenetic location: 8q12.1.
Variant type: single nucleotide variant.
Coding change: c.3396G>A on transcript NM_006269.2 (MANE Select); coding-DNA position 3396, G replaced by A.
Protein change: p.Trp1132Ter; replaces tryptophan 1132 with a stop codon.
Molecular consequence: nonsense. On other transcripts: intron variant (1).
Genome position (GRCh38, 1-based): chr8:54,627,278, G>A. VCF-style: chr8-54627278-G-A. GRCh37 (hg19) VCF-style: chr8-55539838-G-A.
Other names: NC_000008.10:g.55539838G>A; NP_006260.1:p.(Trp1132Ter); c.787+4990G>A (NM_001375654.1); short protein forms W1132*.
Identifiers: ClinVar variation 800956 (VCV000800956.4), dbSNP rs561075447, ClinGen allele CA4751683.
Genomic context (GRCh38, chr8:54,627,278, plus strand): 5'-TGCAGGTGTTCCCTTTCATTCTGCAATATGTAATTCATCCACTAATCTCCTTCTAGCTTG[G>A]CTCTTGGTGCTAAACCTAAAGGGAAGTATGAATAGCTTCTGTCAAGTTGATGCTCACAAG-3'

ClinVar aggregate classification (germline): Pathogenic. Review status: criteria provided, single submitter (1 of 4 stars). 3 submissions from 3 submitters: Pathogenic (1). 2 of the submissions do not count toward it. Last evaluated 2024-05-27.

Conditions:
Autosomal recessive retinitis pigmentosa. Identifiers: MedGen C0339526.
Retinitis pigmentosa 1 (RP1). Identifiers: Orphanet 791, MedGen C0220701, MONDO:0008377, OMIM 180100.
Retinal dystrophy. Also called: Inherited retinal dystrophy. Identifiers: Orphanet 71862, MedGen C0854723, MeSH D058499, MONDO:0019118, HP:0000556.

Allele frequency attached by ClinVar (database versions not stated): ExAC 0.00002; 1000 Genomes Project 0.00020; gnomAD below 0.00001 and 0.00001; gnomAD exomes 0.00001 and below 0.00001; 1000 Genomes Project 30x 0.00016.
gnomAD v4.1: 4 of 1,614,000 alleles (0.00025%); highest among the groups gnomAD compares: South Asian, 0.0044%; no homozygotes.

Submissions (3):

Ophthalmic Genetics Group, Institute of Molecular and Clinical Ophthalmology Basel
Classification: Pathogenic for Retinal dystrophy. Last evaluated: 2024-05-27. Review status: criteria provided, single submitter. Criteria: ACMG Guidelines, 2015. Collection method: research. Allele origin: germline. Affected: yes. Observed: 5 variant alleles.
Comment: This variant was classified as Pathogenic based on ACMG criteria: PVS1_stong, PS4_strong and PM2_mod

Biochemical Molecular Genetic Laboratory, King Abdulaziz Medical City
Classification: Pathogenic for Retinitis pigmentosa 1. Last evaluated: 2019-09-26. Review status: no assertion criteria provided. Collection method: clinical testing. Allele origin: germline. Affected: yes. Not counted in ClinVar's aggregate classification.

Faculty of Health Sciences, Beirut Arab University
Classification: Pathogenic for Autosomal recessive Retinitis Pigmentosa. Last evaluated: 2018-09-03. Review status: no assertion criteria provided. Collection method: literature only. Allele origin: germline. Affected: yes. Observed: 5 variant alleles. Not counted in ClinVar's aggregate classification.

Literature cited by the submitters: PubMed 30054919 (cited by Ophthalmic Genetics Group, Institute of Molecular and Clinical Ophthalmology Basel and Faculty of Health Sciences, Beirut Arab University); PubMed 22317909 (cited by Ophthalmic Genetics Group, Institute of Molecular and Clinical Ophthalmology Basel and Faculty of Health Sciences, Beirut Arab University); PubMed 40180963 (cited by Ophthalmic Genetics Group, Institute of Molecular and Clinical Ophthalmology Basel).